The following is an entry in ClinVar:

ClinVar aggregate classification (germline): Pathogenic/Likely pathogenic. Review status: criteria provided, multiple submitters, no conflicts (2 of 4 stars). 6 submissions from 6 submitters: Pathogenic (1); Likely pathogenic (4). 1 of the submissions does not count toward it. Last evaluated 2026-01-09.

Conditions:
TTN-related disorder. Also called: TTN-related disorders; TTN-related condition; TTN-related disease.
Autosomal recessive limb-girdle muscular dystrophy type 2J (LGMDR10). Also called: Limb-girdle muscular dystrophy, type 2J; MUSCULAR DYSTROPHY, LIMB-GIRDLE, AUTOSOMAL RECESSIVE 10. Identifiers: Orphanet 140922, MedGen C1837342, MONDO:0012127, OMIM 608807.
Dilated cardiomyopathy 1G (CMD1G). Identifiers: Orphanet 154, MedGen C1858763, MONDO:0011400, OMIM 604145.
Cardiomyopathy (CMYO). Also called: Cardiomyopathies. Identifiers: Orphanet 167848, MedGen C0878544, MONDO:0004994, HP:0001638. Inheritance: Various modes of inheritance.
Primary dilated cardiomyopathy (DCM). Also called: Dilated Cardiomyopathy. Identifiers: Orphanet 217604, MedGen C0007193, MeSH D002311, MONDO:0005021, HP:0001644. Inheritance: Various modes of inheritance.

Allele frequency attached by ClinVar (database versions not stated): TOPMed 0.00001.
gnomAD v4.1: 20 of 1,551,836 alleles (0.0013%); highest among the groups gnomAD compares: Non-Finnish European, 0.0017%; no homozygotes.

Submissions (6):

Labcorp Genetics (formerly Invitae), Labcorp
Classification: Pathogenic for Dilated cardiomyopathy 1G; Autosomal recessive limb-girdle muscular dystrophy type 2J. Last evaluated: 2026-01-09. Review status: criteria provided, single submitter. Criteria: Invitae Variant Classification Sherloc (09022015). Collection method: clinical testing. Allele origin: germline.
Comment: This sequence change creates a premature translational stop signal (p.Cys15412*) in the TTN gene. While this is not anticipated to result in nonsense mediated decay, it is expected to create a truncated TTN protein. This variant is not present in population databases (gnomAD no frequency). This premature translational stop signal has been observed in individuals with autosomal dominant dilated cardiomyopathy and/or clinical features of connective tissue disease (PMID: 22335739, 25326637, 36252119; internal data). This variant is also known as c.41313C>A (p.Cys13771X) or c.38532C>A (p.Cys12844*). ClinVar contains an entry for this variant (Variation ID: 223308). This variant is located in the I band of TTN (PMID: 25589632). Truncating variants in this region have been reported in individuals affected with autosomal recessive centronuclear myopathy (PMID: 23975875, internal data). Truncating variants in this region have also been identified in individuals affected with autosomal dominant dilated cardiomyopathy and/or cardio-related conditions (PMID: 27869827, 32964742, internal data). For these reasons, this variant has been classified as Pathogenic.

Clinical Genomics Laboratory, Washington University in St. Louis
Classification: Likely pathogenic for Dilated cardiomyopathy 1G. Last evaluated: 2024-09-17. Review status: criteria provided, single submitter. Criteria: ACMG Guidelines, 2015. Collection method: clinical testing. Allele origin: germline. Affected: yes.
Comment: The TTN c.46236C>A (p.Cys15412*) has been reported in two individuals with dilated cardiomyopathy (Herman DS et al., PMID: 22335739; Roberts AM et al., PMID: 25589632). This variant causes a premature termination codon, which is predicted to lead to nonsense mediated decay. This variant is absent from the general population (gnomAD v.2.1.1), indicating it is not a common variant. This exon is located in the I-band region of the N2-B isoform of the titin protein and is constitutively expressed in TTN transcripts. This variant has been reported in the ClinVar database as a likely pathogenic variant by three submitters and as a variant of uncertain significance by two submitters (Variation ID: 223308). Based on available information and the ACMG/AMP guidelines for variant interpretation (Richards S et al.,PMID: 25741868), this variant is classified as likely pathogenic.

PreventionGenetics, part of Exact Sciences
Classification: Likely pathogenic for TTN-related condition. Last evaluated: 2023-03-15. Review status: criteria provided, single submitter. Criteria: ACMG Guidelines, 2015. Collection method: clinical testing. Allele origin: germline.
Comment: The TTN c.46236C>A variant is predicted to result in premature protein termination (p.Cys15412*). This variant has been reported in individuals with dilated cardiomyopathy (Supp. appendix table 6, reported as c.41313C>A in Herman et al 2012. PubMed ID: 22335739; Supp. Table 4 in Roberts AM et al 2015. PubMed ID: 25589632). This variant occurs within the A-band region of the titin protein. RNAseq studies from heart tissue indicate this exon is commonly included in TTN mRNA transcripts (PSI of 100%, Roberts AM et al. 2015. PubMed ID: 25589632). TTN truncating variants are reported in 1-2% of presumably healthy individuals, but occur more frequently in exons with low PSI values (Roberts AM et al. 2015. PubMed ID: 25589632; Herman DS et al. 2012. PubMed ID: 22335739). To our knowledge, this variant has not been reported in a large population database, indicating this variant is rare. Of note, truncating TTN variants in constitutive exons (PSI > 90%) are significantly associated with dilated cardiomyopathy (DCM) irrespective of their position in TTN (Schafer S et al. 2017. PubMed ID: 27869827). In addition, truncating TTN variants have also been associated with autosomal recessive congenital titinopathies (Oates et al. 2018. PubMed ID: 29691892; Bryen et al. 2020. PubMed ID: 31660661). Therefore, the c.46236C>A variant is interpreted as likely pathogenic for autosomal recessive and dominant TTN-related disorders.

CHEO Genetics Diagnostic Laboratory, Children's Hospital of Eastern Ontario
Classification: Likely pathogenic for Cardiomyopathy. Last evaluated: 2017-05-15. Review status: criteria provided, single submitter. Criteria: ACMG Guidelines, 2015. Collection method: clinical testing. Allele origin: germline. Study: Canadian Open Genetics Repository.

Cardiovascular Biomedical Research Unit, Royal Brompton & Harefield NHS Foundation Trust
Classification: Likely pathogenic for Primary dilated cardiomyopathy. Last evaluated: 2014-10-08. Review status: criteria provided, single submitter. Criteria: Roberts et al. 2015. Collection method: research. Allele origin: germline. Inheritance: Autosomal dominant inheritance. Affected: yes. Observed: 1 variant allele. Study: Endstage DCM.
Comment: In the seven cohorts assessed, TTNtv were found in 14% of ambulant DCM, 22% end-stage or familial DCM, and 2% controls. Heterozygous nonsense, frameshift and canonical splice-disrupting variants found in constitutive and other highly utilised exons are highly likely to be pathogenic when identified in individuals with phenotypically confirmed DCM. TTNtv found incidentally in healthy individuals (excluding familial assessment of DCM relatives) are thought to have low penetrance, particularly when identified in exons that are not constitutively expressed in the heart.

Revvity Omics, Revvity
Classification: Uncertain significance. Last evaluated: 2021-01-25. Review status: flagged submission. Criteria: ACMG Guidelines, 2015. Collection method: clinical testing. Allele origin: germline. Not counted in ClinVar's aggregate classification.
ClinVar note: Reason: Outlier claim with insufficient supporting evidence

Literature cited by the submitters: PubMed 22335739 (cited by Labcorp Genetics (formerly Invitae), Labcorp); PubMed 25326637 (cited by Labcorp Genetics (formerly Invitae), Labcorp); PubMed 36252119 (cited by Labcorp Genetics (formerly Invitae), Labcorp); PubMed 25589632 (cited by Labcorp Genetics (formerly Invitae), Labcorp); PubMed 23975875 (cited by Labcorp Genetics (formerly Invitae), Labcorp); PubMed 27869827 (cited by Labcorp Genetics (formerly Invitae), Labcorp); PubMed 32964742 (cited by Labcorp Genetics (formerly Invitae), Labcorp).

NM_001267550.2(TTN):c.46236C>A (p.Cys15412Ter)

Gene: TTN (titin; minus strand). Cytogenetic location: 2q31.2.
Variant type: single nucleotide variant.
Coding change: c.46236C>A on transcript NM_001267550.2 (MANE Select); coding-DNA position 46236, C replaced by A.
Protein change: p.Cys15412Ter; replaces cysteine 15412 with a stop codon.
Molecular consequence: nonsense.
Genome position (GRCh38, 1-based): chr2:178,620,285, G>T on the plus strand (C>A on the coding strand, the complement: TTN is on the minus strand). VCF-style: chr2-178620285-G-T. GRCh37 (hg19) VCF-style: chr2-179485012-G-T.
Other names: c.46236C>A (LRG_391t1); c.41313C>A, p.Cys13771Ter (NM_001256850.1); c.19041C>A, p.Cys6347Ter (NM_003319.4); c.38532C>A, p.Cys12844Ter (NM_133378.4); c.19416C>A, p.Cys6472Ter (NM_133432.3); c.19617C>A, p.Cys6539Ter (NM_133437.4); short protein forms C12844*, C15412*, C13771*, C6472*, C6539*, C6347*.
Identifiers: ClinVar variation 223308 (VCV000223308.15), dbSNP rs368200299, ClinGen allele CA090328.